The following is an entry in ClinVar:

ClinVar aggregate classification (germline): Conflicting classifications of pathogenicity. Review status: criteria provided, conflicting classifications (1 of 4 stars). 4 submissions from 4 submitters: Uncertain significance (1); Likely benign (3). Last evaluated 2024-09-11.

Conditions:
Charcot-Marie-Tooth disease. Also called: Charcot-Marie-Tooth Neuropathy; Charcot-Marie-Tooth Hereditary Neuropathy. Identifiers: Orphanet 166, MedGen C0007959, MONDO:0015626.
Charcot-Marie-Tooth disease, type I (CMT1). Also called: Charcot-Marie-Tooth, Type 1; Charcot-Marie-Tooth disease type 1. Identifiers: Orphanet 65753, MedGen C0751036, MONDO:0019011.

Allele frequency attached by ClinVar (database versions not stated): gnomAD 0.00002; ExAC 0.00003; gnomAD exomes 0.00003; TOPMed 0.00003.
gnomAD v4.1: 27 of 1,566,170 alleles (0.0017%); highest among the groups gnomAD compares: Middle Eastern, 0.034%; no homozygotes.

Submissions (4):

Labcorp Genetics (formerly Invitae), Labcorp
Classification: Likely benign for Charcot-Marie-Tooth disease, type I. Last evaluated: 2024-09-11. Review status: criteria provided, single submitter. Criteria: Invitae Variant Classification Sherloc (09022015). Collection method: clinical testing. Allele origin: germline.

CeGaT Center for Human Genetics Tuebingen
Classification: Likely benign. Last evaluated: 2022-07-01. Review status: criteria provided, single submitter. Criteria: CeGaT Center For Human Genetics Tuebingen Variant Classification Criteria Version 2. Collection method: clinical testing. Allele origin: germline. Affected: yes. Observed: 1 variant allele.
Comment: EGR2: BP4, BP7

Greenwood Genetic Center Diagnostic Laboratories, Greenwood Genetic Center
Classification: Uncertain significance. Last evaluated: 2021-10-26. Review status: criteria provided, single submitter. Criteria: ACMG Guidelines, 2015. Collection method: clinical testing. Allele origin: germline. Affected: yes.
Comment: PM2

Molecular Genetics Laboratory, London Health Sciences Centre
Classification: Likely benign for Charcot-Marie-Tooth disease. Review status: criteria provided, single submitter. Criteria: ACMG Guidelines, 2015. Collection method: clinical testing. Allele origin: germline. Affected: yes.

NM_000399.5(EGR2):c.1395G>A (p.Pro465=)

Gene: EGR2 (early growth response 2; minus strand). Cytogenetic location: 10q21.3.
Variant type: single nucleotide variant.
Coding change: c.1395G>A on transcript NM_000399.5 (MANE Select); coding-DNA position 1395, G replaced by A.
Protein change: p.Pro465=; no amino-acid change (proline 465 retained).
Molecular consequence: synonymous variant.
Genome position (GRCh38, 1-based): chr10:62,813,243, C>T on the plus strand (G>A on the coding strand, the complement: EGR2 is on the minus strand). VCF-style: chr10-62813243-C-T. GRCh37 (hg19) VCF-style: chr10-64573003-C-T.
Other names: c.1395G>A, p.Pro465= (NM_001136177.3, NM_001136178.2); c.1245G>A, p.Pro415= (NM_001136179.3, NM_001321037.2).
Identifiers: ClinVar variation 696704 (VCV000696704.46), dbSNP rs779811073, ClinGen allele CA5517144.